The following is an entry in ClinVar:

NM_173628.4(DNAH17):c.5562_5563del (p.Glu1855fs)

Genes: DNAH17 (dynein axonemal heavy chain 17; minus strand), DNAH17-AS1 (DNAH17 antisense RNA 1; plus strand). Cytogenetic location: 17q25.3.
Variant type: Deletion.
Coding change: c.5562_5563del on transcript NM_173628.4 (MANE Select); coding-DNA positions 5562 to 5563, 2 bases deleted (TG; older notation c.5562_5563delTG).
Protein change: p.Glu1855fs; shifts the reading frame from glutamic acid 1855.
Molecular consequence: frameshift variant. On other transcripts: non-coding transcript variant (1).
Genome position (GRCh38, 1-based): chr17:78,500,382-78,500,383, CA deleted on the plus strand (TG on the coding strand, the reverse complement: DNAH17 is on the minus strand). VCF-style (leftmost placement, unchanged base first): chr17-78500381-TCA-T. GRCh37 (hg19) VCF-style: chr17-76496463-TCA-T.
Other names: short protein forms E1855fs.
Identifiers: ClinVar variation 2630533 (VCV002630533.1), dbSNP rs2511477180, ClinGen allele CA2640173922.

ClinVar aggregate classification (germline): Likely pathogenic (1 of 4 stars; one submission).

Conditions:
DNAH17-related disorder. Also called: DNAH17-related condition.

Allele frequency attached by ClinVar (database versions not stated): gnomAD exomes below 0.00001.

Submission:

PreventionGenetics, part of Exact Sciences
Classification: Likely pathogenic for DNAH17-related condition. Last evaluated: 2023-01-31. Review status: criteria provided, single submitter. Criteria: ACMG Guidelines, 2015. Collection method: clinical testing. Allele origin: germline.
Comment: The DNAH17 c.5562_5563delTG variant is predicted to result in a frameshift and premature protein termination (p.Glu1855Aspfs*44). To our knowledge, this variant has not been reported in the literature or in a large population database, indicating this variant is rare. Frameshift variants in DNAH17 are expected to be pathogenic. This variant is interpreted as likely pathogenic.